The following is an entry in ClinVar:

NM_001244008.2(KIF1A):c.2524G>A (p.Val842Met)

Gene: KIF1A (kinesin family member 1A; minus strand). Cytogenetic location: 2q37.3.
Variant type: single nucleotide variant.
Coding change: c.2524G>A on transcript NM_001244008.2 (MANE Select); coding-DNA position 2524, G replaced by A.
Protein change: p.Val842Met; replaces valine 842 with methionine.
Molecular consequence: missense variant.
Genome position (GRCh38, 1-based): chr2:240,758,418, C>T on the plus strand (G>A on the coding strand, the complement: KIF1A is on the minus strand). VCF-style: chr2-240758418-C-T. GRCh37 (hg19) VCF-style: chr2-241697835-C-T.
Other names: c.2524G>A, p.Val842Met (NM_001320705.2, NM_001330289.2, NM_001379638.1); c.2599G>A, p.Val867Met (NM_001330290.2, NM_001379631.1, NM_001379634.1 and 2 more transcripts); c.2497G>A, p.Val833Met (NM_001379632.1, NM_001379633.1, NM_001379636.1 and 11 more transcripts); c.2572G>A, p.Val858Met (NM_001379637.1, NM_001379648.1); c.2497G>A (NM_004321.6); short protein forms V833M, V842M, V858M, V867M.
Identifiers: ClinVar variation 2422412 (VCV002422412.10), dbSNP rs1235111114, ClinGen allele CA351323675.

ClinVar aggregate classification (germline): Uncertain significance (1 of 4 stars; one submission).

Conditions:
Neuropathy, hereditary sensory, type 2C. Also called: KIF1A-Related HSAN2 (HSAN2C); Hereditary sensory and autonomic neuropathy type IIC. Identifiers: Orphanet 970, MedGen C3280168, MONDO:0013634, OMIM 614213.
Hereditary spastic paraplegia 30. Identifiers: Orphanet 101010, MedGen C5235139, MONDO:0012476.
Intellectual disability, autosomal dominant 9 (NESCAVS). Also called: NESCAV SYNDROME; KIF1A-Related Neurodevelopmental Disorder. Identifiers: Orphanet 662367, MedGen C5393830, MONDO:0013656, OMIM 614255.

Allele frequency attached by ClinVar (database versions not stated): gnomAD exomes 0.00001; TOPMed 0.00001.
gnomAD v4.1: 3 of 1,612,988 alleles (0.00019%); highest among the groups gnomAD compares: Admixed American, 0.005%; no homozygotes.

Submission:

Labcorp Genetics (formerly Invitae), Labcorp
Classification: Uncertain significance for Hereditary spastic paraplegia 30; Neuropathy, hereditary sensory, type 2C; Intellectual disability, autosomal dominant 9. Last evaluated: 2025-10-20. Review status: criteria provided, single submitter. Criteria: Invitae Variant Classification Sherloc (09022015). Collection method: clinical testing. Allele origin: germline.
Comment: This sequence change replaces valine, which is neutral and non-polar, with methionine, which is neutral and non-polar, at codon 833 of the KIF1A protein (p.Val833Met). This variant is present in population databases (no rsID available, gnomAD 0.006%). This variant has not been reported in the literature in individuals affected with KIF1A-related conditions. ClinVar contains an entry for this variant (Variation ID: 2422412). Invitae Evidence Modeling of protein sequence and biophysical properties (such as structural, functional, and spatial information, amino acid conservation, physicochemical variation, residue mobility, and thermodynamic stability) has been performed for this missense variant. However, the output from this modeling did not meet the statistical confidence thresholds required to predict the impact of this variant on KIF1A protein function. In summary, the available evidence is currently insufficient to determine the role of this variant in disease. Therefore, it has been classified as a Variant of Uncertain Significance.